The following is an entry in ClinVar:

NM_001165963.4(SCN1A):c.3197C>A (p.Thr1066Lys)

Genes: SCN1A (sodium voltage-gated channel alpha subunit 1; minus strand), LOC102724058 (uncharacterized LOC102724058; plus strand). Cytogenetic location: 2q24.3.
Variant type: single nucleotide variant.
Coding change: c.3197C>A on transcript NM_001165963.4 (MANE Select); coding-DNA position 3197, C replaced by A.
Protein change: p.Thr1066Lys; replaces threonine 1066 with lysine.
Molecular consequence: missense variant. On other transcripts: non-coding transcript variant (2).
Genome position (GRCh38, 1-based): chr2:166,036,280, G>T on the plus strand (C>A on the coding strand, the complement: SCN1A is on the minus strand). VCF-style: chr2-166036280-G-T. GRCh37 (hg19) VCF-style: chr2-166892790-G-T.
Other names: c.3113C>A, p.Thr1038Lys (NM_001165964.3, NM_001353957.2, NM_001353958.2); c.3197C>A, p.Thr1066Lys (NM_001202435.3, NM_001353948.2); c.3164C>A, p.Thr1055Lys (NM_001353949.2, NM_001353950.2, NM_001353951.2 and 2 more transcripts); c.3161C>A, p.Thr1054Lys (NM_001353954.2, NM_001353955.2); c.3110C>A, p.Thr1037Lys (NM_001353960.2); c.755C>A, p.Thr252Lys (NM_001353961.2); short protein forms T1037K, T1066K, T1054K, T252K, T1038K, T1055K.
Identifiers: ClinVar variation 1920349 (VCV001920349.5), dbSNP rs2468077915, ClinGen allele CA349059592.

ClinVar aggregate classification (germline): Uncertain significance (1 of 4 stars; one submission).

Conditions:
Early-infantile DEE. Also called: Ohtahara syndrome; Early infantile epileptic encephalopathy with suppression bursts; Early infantile epileptic encephalopathy. Identifiers: Orphanet 1934, MedGen C0393706, MONDO:0800491.

Allele frequency attached by ClinVar (database versions not stated): gnomAD exomes below 0.00001.
gnomAD v4.1: 1 of 1,613,780 alleles (0.000062%); highest among the groups gnomAD compares: African/African-American, 0.0013%; no homozygotes.

Submission:

Labcorp Genetics (formerly Invitae), Labcorp
Classification: Uncertain significance for Early-infantile DEE. Last evaluated: 2022-07-26. Review status: criteria provided, single submitter. Criteria: Invitae Variant Classification Sherloc (09022015). Collection method: clinical testing. Allele origin: germline.
Comment: In summary, the available evidence is currently insufficient to determine the role of this variant in disease. Therefore, it has been classified as a Variant of Uncertain Significance. This sequence change replaces threonine, which is neutral and polar, with lysine, which is basic and polar, at codon 1066 of the SCN1A protein (p.Thr1066Lys). This variant is not present in population databases (gnomAD no frequency). This variant has not been reported in the literature in individuals affected with SCN1A-related conditions. Advanced modeling of protein sequence and biophysical properties (such as structural, functional, and spatial information, amino acid conservation, physicochemical variation, residue mobility, and thermodynamic stability) performed at Invitae indicates that this missense variant is expected to disrupt SCN1A protein function.